The following is an entry in ClinVar:

NM_000165.5(GJA1):c.1142A>G (p.Glu381Gly)

Gene: GJA1 (gap junction protein alpha 1; plus strand). Cytogenetic location: 6q22.31.
Variant type: single nucleotide variant.
Coding change: c.1142A>G on transcript NM_000165.5 (MANE Select); coding-DNA position 1142, A replaced by G.
Protein change: p.Glu381Gly; replaces glutamic acid 381 with glycine.
Molecular consequence: missense variant.
Genome position (GRCh38, 1-based): chr6:121,447,989, A>G. VCF-style: chr6-121447989-A-G. GRCh37 (hg19) VCF-style: chr6-121769135-A-G.
Other names: short protein forms E381G.
Identifiers: ClinVar variation 5008671 (VCV005008671.1).

ClinVar aggregate classification (germline): Uncertain significance (1 of 4 stars; one submission).

Submission:

GeneDx
Classification: Uncertain significance. Last evaluated: 2026-03-11. Review status: criteria provided, single submitter. Criteria: GeneDx Variant Classification Process June 2021. Collection method: clinical testing. Allele origin: germline.
Comment: Not observed at significant frequency in large population cohorts (gnomAD); In silico analysis suggests that this missense variant does not alter protein structure/function; Has not been previously published as pathogenic or benign to our knowledge